The following is an entry in ClinVar:

ClinVar aggregate classification (germline): Likely benign (1 of 4 stars; one submission).

Allele frequency attached by ClinVar (database versions not stated): 1000 Genomes Project 0.00120; 1000 Genomes Project 30x 0.00172; TOPMed 0.00405; gnomAD 0.00421; ESP Exome Variant Server 0.00587; gnomAD exomes 0.00692; ExAC 0.00731.
gnomAD v4.1: 10,417 of 1,580,440 alleles (0.66%); highest among the groups gnomAD compares: Non-Finnish European, 0.83%; 50 homozygotes.

Submission:

CeGaT Center for Human Genetics Tuebingen
Classification: Likely benign. Last evaluated: 2023-03-01. Review status: criteria provided, single submitter. Criteria: CeGaT Center For Human Genetics Tuebingen Variant Classification Criteria Version 2. Collection method: clinical testing. Allele origin: germline. Affected: yes. Observed: 2 variant alleles.
Comment: RBM33: BP4, BP7, BS2

NM_053043.3(RBM33):c.600C>T (p.Asp200=)

Gene: RBM33 (RNA binding motif protein 33; plus strand). Cytogenetic location: 7q36.3.
Variant type: single nucleotide variant.
Coding change: c.600C>T on transcript NM_053043.3 (MANE Select); coding-DNA position 600, C replaced by T.
Protein change: p.Asp200=; no amino-acid change (aspartic acid 200 retained).
Molecular consequence: synonymous variant.
Genome position (GRCh38, 1-based): chr7:155,700,805, C>T. VCF-style: chr7-155700805-C-T. GRCh37 (hg19) VCF-style: chr7-155493499-C-T.
Identifiers: ClinVar variation 2658277 (VCV002658277.24), dbSNP rs143834128, ClinGen allele CA4586012.